The following is an entry in ClinVar:

ClinVar aggregate classification (germline): Uncertain significance. Review status: criteria provided, multiple submitters, no conflicts (2 of 4 stars). 2 submissions from 2 submitters: Uncertain significance (2). Last evaluated 2024-03-18.

Allele frequency attached by ClinVar (database versions not stated): gnomAD exomes below 0.00001; gnomAD 0.00005; TOPMed 0.00005; ESP Exome Variant Server 0.00008.
gnomAD v4.1: 10 of 1,611,922 alleles (0.00062%); highest among the groups gnomAD compares: African/African-American, 0.013%; no homozygotes.

Submissions (2):

Labcorp Genetics (formerly Invitae), Labcorp
Classification: Uncertain significance. Last evaluated: 2024-03-18. Review status: criteria provided, single submitter. Criteria: Invitae Variant Classification Sherloc (09022015). Collection method: clinical testing. Allele origin: germline.
Comment: This sequence change replaces glutamine, which is neutral and polar, with arginine, which is basic and polar, at codon 665 of the LRIT3 protein (p.Gln665Arg). This variant is present in population databases (rs369220726, gnomAD 0.01%). This variant has not been reported in the literature in individuals affected with LRIT3-related conditions. An algorithm developed to predict the effect of missense changes on protein structure and function (PolyPhen-2) suggests that this variant is likely to be tolerated. In summary, the available evidence is currently insufficient to determine the role of this variant in disease. Therefore, it has been classified as a Variant of Uncertain Significance.

Blueprint Genetics
Classification: Uncertain significance. Last evaluated: 2019-08-06. Review status: criteria provided, single submitter. Criteria: ACMG Guidelines, 2015. Collection method: clinical testing. Allele origin: germline.

NM_198506.5(LRIT3):c.1994A>G (p.Gln665Arg)

Gene: LRIT3 (leucine rich repeat, Ig-like and transmembrane domains 3; plus strand). Cytogenetic location: 4q25.
Variant type: single nucleotide variant.
Coding change: c.1994A>G on transcript NM_198506.5 (MANE Select); coding-DNA position 1994, A replaced by G.
Protein change: p.Gln665Arg; replaces glutamine 665 with arginine.
Molecular consequence: missense variant.
Genome position (GRCh38, 1-based): chr4:109,870,743, A>G. VCF-style: chr4-109870743-A-G. GRCh37 (hg19) VCF-style: chr4-110791899-A-G.
Other names: short protein forms Q665R.
Identifiers: ClinVar variation 2994677 (VCV002994677.4), dbSNP rs369220726, ClinGen allele CA103712806.
Genomic context (GRCh38, chr4:109,870,743, plus strand): 5'-GAAGCCACAGGGATGACTCAGAGAAATTGCTGCTTTGTTCTAGGTCAAGTGTGGAATCTC[A>G]GGTGACTTTTAAAAGTGAAGGTTCCAGACCAGAGTATTATTGCTAAGGTTCTGCAGCTCA-3'
Protein context (NP_940908.3, residues 655-675): LLCSRSSVES[Gln665Arg]VTFKSEGSRP